The following is an entry in ClinVar:

NM_001079872.2(CUL4B):c.2018T>C (p.Val673Ala)

Gene: CUL4B (cullin 4B; minus strand). Cytogenetic location: Xq24.
Variant type: single nucleotide variant.
Coding change: c.2018T>C on transcript NM_001079872.2 (MANE Select); coding-DNA position 2018, T replaced by C.
Protein change: p.Val673Ala; replaces valine 673 with alanine.
Molecular consequence: missense variant.
Genome position (GRCh38, 1-based): chrX:120,536,955, A>G on the plus strand (T>C on the coding strand, the complement: CUL4B is on the minus strand). VCF-style: chrX-120536955-A-G. GRCh37 (hg19) VCF-style: chrX-119670810-A-G.
Other names: c.2033T>C, p.Val678Ala (NM_001330624.2); c.1484T>C, p.Val495Ala (NM_001369145.1); c.2072T>C, p.Val691Ala (NM_003588.4); short protein forms V678A, V691A, V495A, V673A.
Identifiers: ClinVar variation 4997071 (VCV004997071.1).

ClinVar aggregate classification (germline): Uncertain significance (1 of 4 stars; one submission).

Conditions:
CUL4B-related disorder. Also called: CUL4B-related condition.

Submission:

PreventionGenetics, part of Exact Sciences
Classification: Uncertain significance for CUL4B-related condition. Last evaluated: 2025-08-07. Review status: criteria provided, single submitter. Criteria: ACMG Guidelines, 2015. Collection method: clinical testing. Allele origin: germline.
Comment: The CUL4B c.2072T>C variant is predicted to result in the amino acid substitution p.Val691Ala. To our knowledge, this variant has not been reported in the literature or in a large population database (gnomAD), indicating this variant is rare. At this time, the clinical significance of this variant is uncertain due to the absence of conclusive functional and genetic evidence.